The following is an entry in ClinVar:

ClinVar aggregate classification (germline): Uncertain significance (1 of 4 stars; one submission).

Submission:

Labcorp Genetics (formerly Invitae), Labcorp
Classification: Uncertain significance. Last evaluated: 2022-07-19. Review status: criteria provided, single submitter. Criteria: Invitae Variant Classification Sherloc (09022015). Collection method: clinical testing. Allele origin: germline.
Comment: This variant has not been reported in the literature in individuals affected with ZBTB18-related conditions. In summary, the available evidence is currently insufficient to determine the role of this variant in disease. Therefore, it has been classified as a Variant of Uncertain Significance. Algorithms developed to predict the effect of missense changes on protein structure and function are either unavailable or do not agree on the potential impact of this missense change (SIFT: "Deleterious"; PolyPhen-2: "Possibly Damaging"; Align-GVGD: "Class C15"). ClinVar contains an entry for this variant (Variation ID: 1369189). This variant is not present in population databases (gnomAD no frequency). This sequence change replaces glutamine, which is neutral and polar, with histidine, which is basic and polar, at codon 395 of the ZBTB18 protein (p.Gln395His).

NM_205768.3(ZBTB18):c.1185G>T (p.Gln395His)

Gene: ZBTB18 (zinc finger and BTB domain containing 18; plus strand). Cytogenetic location: 1q44.
Variant type: single nucleotide variant.
Coding change: c.1185G>T on transcript NM_205768.3 (MANE Select); coding-DNA position 1185, G replaced by T.
Protein change: p.Gln395His; replaces glutamine 395 with histidine.
Molecular consequence: missense variant.
Genome position (GRCh38, 1-based): chr1:244,054,959, G>T. VCF-style: chr1-244054959-G-T. GRCh37 (hg19) VCF-style: chr1-244218261-G-T.
Other names: c.1158G>T, p.Gln386His (NM_001278196.2, NM_006352.5); short protein forms Q395H, Q386H.
Identifiers: ClinVar variation 1369189 (VCV001369189.6), dbSNP rs751162357, ClinGen allele CA345674563.